The following is an entry in ClinVar:

ClinVar aggregate classification (germline): Uncertain significance (1 of 4 stars; one submission).

Allele frequency attached by ClinVar (database versions not stated): gnomAD 0.00001.
gnomAD v4.1: 1 of 1,208,322 alleles (0.000083%); highest among the groups gnomAD compares: African/African-American, 0.0018%; no homozygotes.

Submission:

GeneDx
Classification: Uncertain significance. Last evaluated: 2022-08-24. Review status: criteria provided, single submitter. Criteria: GeneDx Variant Classification Process June 2021. Collection method: clinical testing. Allele origin: germline. Affected: yes.
Comment: Not observed at significant frequency in large population cohorts (gnomAD); In silico analysis supports that this missense variant does not alter protein structure/function; Has not been previously published as pathogenic or benign to our knowledge

NM_153252.5(BRWD3):c.3053A>C (p.Glu1018Ala)

Gene: BRWD3 (bromodomain and WD repeat domain containing 3; minus strand). Cytogenetic location: Xq21.1.
Variant type: single nucleotide variant.
Coding change: c.3053A>C on transcript NM_153252.5 (MANE Select); coding-DNA position 3053, A replaced by C.
Protein change: p.Glu1018Ala; replaces glutamic acid 1018 with alanine.
Molecular consequence: missense variant.
Genome position (GRCh38, 1-based): chrX:80,696,754, T>G on the plus strand (A>C on the coding strand, the complement: BRWD3 is on the minus strand). VCF-style: chrX-80696754-T-G. GRCh37 (hg19) VCF-style: chrX-79952253-T-G.
Other names: short protein forms E1018A.
Identifiers: ClinVar variation 2430861 (VCV002430861.1), dbSNP rs1195692866, ClinGen allele CA413620965.
Genomic context (GRCh38, chrX:80,696,754, plus strand): 5'-TTAAAATACACACACTCAAACAGAGACTCAGAGATAACTACTCACTTAATGGAAAAAGAT[T>G]CTCCAGTCATTTTGCCTGAAATTGGGTCCAGAAATGCAAGCTTCAAGCAGCACAGTGTGG-3'
Protein context (NP_694984.5, residues 1008-1028): LDPISGKMTG[Glu1018Ala]SFSIKYHDMP